The following is an entry in ClinVar:

ClinVar aggregate classification (germline): Uncertain significance (1 of 4 stars; one submission).

Submission:

GeneDx
Classification: Uncertain significance. Last evaluated: 2025-01-07. Review status: criteria provided, single submitter. Criteria: GeneDx Variant Classification Process June 2021. Collection method: clinical testing. Allele origin: germline. Affected: yes.
Comment: Not observed at significant frequency in large population cohorts (gnomAD); In silico analysis supports that this missense variant has a deleterious effect on protein structure/function; Has not been previously published as pathogenic or benign to our knowledge

NM_181303.2(NLGN3):c.943G>A (p.Gly315Ser)

Gene: NLGN3 (neuroligin 3; plus strand). Cytogenetic location: Xq13.1.
Variant type: single nucleotide variant.
Coding change: c.943G>A on transcript NM_181303.2 (MANE Select); coding-DNA position 943, G replaced by A.
Protein change: p.Gly315Ser; replaces glycine 315 with serine.
Molecular consequence: missense variant.
Genome position (GRCh38, 1-based): chrX:71,167,040, G>A. VCF-style: chrX-71167040-G-A. GRCh37 (hg19) VCF-style: chrX-70386890-G-A.
Other names: c.823G>A, p.Gly275Ser (NM_001166660.2); c.532G>A, p.Gly178Ser (NM_001321276.2); c.883G>A, p.Gly295Ser (NM_018977.4); short protein forms G178S, G275S, G315S, G295S.
Identifiers: ClinVar variation 4056068 (VCV004056068.1).